The following is an entry in ClinVar:

ClinVar aggregate classification (germline): Pathogenic (1 of 4 stars; one submission).

Conditions:
Congenital disorder of deglycosylation (CDDG). Identifiers: MedGen C3808991, MONDO:0031376.

Submission:

Labcorp Genetics (formerly Invitae), Labcorp
Classification: Pathogenic for Congenital disorder of deglycosylation. Last evaluated: 2024-06-17. Review status: criteria provided, single submitter. Criteria: Invitae Variant Classification Sherloc (09022015). Collection method: clinical testing. Allele origin: germline.
Comment: This sequence change creates a premature translational stop signal (p.Tyr333Leufs*21) in the NGLY1 gene. It is expected to result in an absent or disrupted protein product. Loss-of-function variants in NGLY1 are known to be pathogenic (PMID: 24651605). This variant is not present in population databases (gnomAD no frequency). This variant has not been reported in the literature in individuals affected with NGLY1-related conditions. ClinVar contains an entry for this variant (Variation ID: 1392868). For these reasons, this variant has been classified as Pathogenic.

Literature cited by the submitters: PubMed 24651605.

NM_018297.4(NGLY1):c.997dup (p.Tyr333fs)

Gene: NGLY1 (N-glycanase 1; minus strand). Cytogenetic location: 3p24.2.
Variant type: Duplication.
Coding change: c.997dup on transcript NM_018297.4 (MANE Select); coding-DNA position 997, one base duplicated (T; older notation c.997dupT).
Protein change: p.Tyr333fs; shifts the reading frame from tyrosine 333.
Molecular consequence: frameshift variant.
Genome position (GRCh38, 1-based): chr3:25,737,340, A duplicated on the plus strand (T on the coding strand, the reverse complement: NGLY1 is on the minus strand); the first of 2 consecutive A bases (chr3:25,737,340-25,737,341); duplicating either gives the same sequence. VCF-style (leftmost placement, unchanged base first): chr3-25737339-T-TA. GRCh37 (hg19) VCF-style: chr3-25778830-T-TA.
Other names: c.997dup, p.Tyr333fs (NM_001145293.2, NM_001145295.2); c.871dup, p.Tyr291fs (NM_001145294.2); short protein forms Y291fs, Y333fs.
Identifiers: ClinVar variation 1392868 (VCV001392868.6), dbSNP rs2125478810, ClinGen allele CA2573136379.